The following is an entry in ClinVar:

ClinVar aggregate classification (germline): Uncertain significance (1 of 4 stars; one submission).

Submission:

Labcorp Genetics (formerly Invitae), Labcorp
Classification: Uncertain significance. Last evaluated: 2021-02-26. Review status: criteria provided, single submitter. Criteria: Invitae Variant Classification Sherloc (09022015). Collection method: clinical testing. Allele origin: germline.
Comment: This sequence change replaces histidine with arginine at codon 234 of the STT3A protein (p.His234Arg). The histidine residue is highly conserved and there is a small physicochemical difference between histidine and arginine. This variant is not present in population databases (ExAC no frequency). This variant has not been reported in the literature in individuals with STT3A-related conditions. Algorithms developed to predict the effect of missense changes on protein structure and function are either unavailable or do not agree on the potential impact of this missense change (SIFT: "Tolerated"; PolyPhen-2: "Possibly Damaging"; Align-GVGD: "Class C0"). In summary, the available evidence is currently insufficient to determine the role of this variant in disease. Therefore, it has been classified as a Variant of Uncertain Significance.

NM_152713.5(STT3A):c.701A>G (p.His234Arg)

Gene: STT3A (STT3 oligosaccharyltransferase complex catalytic subunit A; plus strand). Cytogenetic location: 11q24.2.
Variant type: single nucleotide variant.
Coding change: c.701A>G on transcript NM_152713.5 (MANE Select); coding-DNA position 701, A replaced by G.
Protein change: p.His234Arg; replaces histidine 234 with arginine.
Molecular consequence: missense variant.
Genome position (GRCh38, 1-based): chr11:125,606,386, A>G. VCF-style: chr11-125606386-A-G. GRCh37 (hg19) VCF-style: chr11-125476281-A-G.
Other names: c.701A>G, p.His234Arg (NM_001278503.2); c.425A>G, p.His142Arg (NM_001278504.2); short protein forms H142R, H234R.
Identifiers: ClinVar variation 1513589 (VCV001513589.8), dbSNP rs139072499, ClinGen allele CA383184240.